The following is an entry in ClinVar:

NM_000138.5(FBN1):c.6854A>T (p.Asp2285Val)

Gene: FBN1 (fibrillin 1; minus strand). Cytogenetic location: 15q21.1.
Variant type: single nucleotide variant.
Coding change: c.6854A>T on transcript NM_000138.5 (MANE Select); coding-DNA position 6854, A replaced by T.
Protein change: p.Asp2285Val; replaces aspartic acid 2285 with valine.
Molecular consequence: missense variant.
Genome position (GRCh38, 1-based): chr15:48,430,688, T>A on the plus strand (A>T on the coding strand, the complement: FBN1 is on the minus strand). VCF-style: chr15-48430688-T-A. GRCh37 (hg19) VCF-style: chr15-48722885-T-A.
Other names: short protein forms D2285V.
Identifiers: ClinVar variation 495641 (VCV000495641.1), dbSNP rs1160071679, ClinGen allele CA392331987.
Genomic context (GRCh38, chr15:48,430,688, plus strand): 5'-ACTTCTGATGCACTCAAAGCTCCTTCCACAGGGATCCTCTTACCTACACAGCCTTCTCCA[T>A]CAGGTCTCCGCTGATACCCGGGTCCACAGATGCACATATATGTGCCAATGAGGTTCTTGC-3'
Protein context (NP_000129.3, residues 2275-2295): ICGPGYQRRP[Asp2285Val]GEGCVDENEC

ClinVar aggregate classification (germline): Uncertain significance (1 of 4 stars; one submission).

Submission:

Women's Health and Genetics/Laboratory Corporation of America, LabCorp
Classification: Uncertain significance. Last evaluated: 2016-08-17. Review status: criteria provided, single submitter. Criteria: LabCorp Variant Classification Summary - May 2015. Collection method: clinical testing. Allele origin: germline.
Comment: Variant summary: The c.6854A>T (p.Asp2285Val) variant in FBN1 is a missense change that involves a mildly conserved nucleotide. 3/4 in silico tools predict a damaging outcome for this variant (SNPs&GO not captured due to low reliability index). Asp2285 is located within the cb EGF-like #35 functional domain, which is known to be critical for proper protein folding. However, the variant has not been evaluated for functional impact by in vivo/vitro studies. The variant is absent from the control population dataset of ExAC and has not, to our knowledge, been reported in affected individuals via published reports or by reputable databases/clinical laboratories. Taken together, the variant was classified as a VUS until additional information is available.